The following is an entry in ClinVar:

ClinVar aggregate classification (germline): Uncertain significance. Review status: criteria provided, multiple submitters, no conflicts (2 of 4 stars). 2 submissions from 2 submitters: Uncertain significance (2). Last evaluated 2026-03-19.

Conditions:
Cardiovascular phenotype. Identifiers: MedGen CN230736.
Amyloidosis, hereditary systemic 1 (AMYLD1). Also called: Familial amyloid polyneuropathy; Transthyretin Amyloidosis; Hereditary oculoleptomeningeal amyloid angiopathy; Familial Transthyretin Amyloidosis; Isolated Cardiac Amyloidosis; Amyloid Cardiomyopathy, Transthyretin-related. Identifiers: Orphanet 85447, Orphanet 85451, MedGen C2751492, MONDO:0971004, OMIM 105210.

Submissions (2):

Ambry Genetics
Classification: Uncertain significance for Cardiovascular phenotype. Last evaluated: 2026-03-19. Review status: criteria provided, single submitter. Criteria: Ambry Variant Classification Scheme 2023. Collection method: clinical testing. Allele origin: germline.
Comment: The p.L14P variant (also known as c.41T>C), located in coding exon 1 of the TTR gene, results from a T to C substitution at nucleotide position 41. The leucine at codon 14 is replaced by proline, an amino acid with similar properties. This amino acid position is highly conserved in available vertebrate species. In addition, this alteration is predicted to be deleterious by in silico analysis. Based on the available evidence, the clinical significance of this variant remains unclear.

Labcorp Genetics (formerly Invitae), Labcorp
Classification: Uncertain significance for Amyloidosis, hereditary systemic 1. Last evaluated: 2025-01-01. Review status: criteria provided, single submitter. Criteria: Invitae Variant Classification Sherloc (09022015). Collection method: clinical testing. Allele origin: germline.
Comment: This sequence change replaces leucine, which is neutral and non-polar, with proline, which is neutral and non-polar, at codon 14 of the TTR protein (p.Leu14Pro). This variant is not present in population databases (gnomAD no frequency). This variant has not been reported in the literature in individuals affected with TTR-related conditions. Invitae Evidence Modeling of protein sequence and biophysical properties (such as structural, functional, and spatial information, amino acid conservation, physicochemical variation, residue mobility, and thermodynamic stability) indicates that this missense variant is expected to disrupt TTR protein function with a positive predictive value of 95%. In summary, the available evidence is currently insufficient to determine the role of this variant in disease. Therefore, it has been classified as a Variant of Uncertain Significance.

NM_000371.4(TTR):c.41T>C (p.Leu14Pro)

Gene: TTR (transthyretin; plus strand). Cytogenetic location: 18q12.1.
Variant type: single nucleotide variant.
Coding change: c.41T>C on transcript NM_000371.4 (MANE Select); coding-DNA position 41, T replaced by C.
Protein change: p.Leu14Pro; replaces leucine 14 with proline.
Molecular consequence: missense variant.
Genome position (GRCh38, 1-based): chr18:31,591,943, T>C. VCF-style: chr18-31591943-T-C. GRCh37 (hg19) VCF-style: chr18-29171906-T-C.
Other names: short protein forms L14P.
Identifiers: ClinVar variation 3664843 (VCV003664843.3).